The following is an entry in ClinVar:

ClinVar aggregate classification (germline): Benign/Likely benign. Review status: criteria provided, multiple submitters, no conflicts (2 of 4 stars). 7 submissions from 7 submitters: Benign (2); Likely benign (4). 1 of the submissions does not count toward it. Last evaluated 2026-01-12.

Conditions:
RPS24-related disorder. Also called: RPS24-related condition.
Diamond-Blackfan anemia 3 (DBA3). Also called: RPS24-Related Diamond-Blackfan Anemia. Identifiers: Orphanet 124, MedGen C1857719, MONDO:0012529, OMIM 610629.
Diamond-Blackfan anemia. Also called: Aase syndrome; Blackfan Diamond syndrome; Aregenerative anemia chronic congenital; Red cell aplasia, pure hereditary; Congenital hypoplastic anemia. Identifiers: Orphanet 124, MedGen C1260899, MeSH D029503, MONDO:0015253, HP:0004810.

Allele frequency attached by ClinVar (database versions not stated): TOPMed 0.00011; gnomAD 0.00016 and 0.00028; 1000 Genomes Project 0.00200; 1000 Genomes Project 30x 0.00234.

Submissions (7):

Labcorp Genetics (formerly Invitae), Labcorp
Classification: Benign for Diamond-Blackfan anemia. Last evaluated: 2026-01-12. Review status: criteria provided, single submitter. Criteria: Invitae Variant Classification Sherloc (09022015). Collection method: clinical testing. Allele origin: germline.

Blueprint Genetics
Classification: Likely benign. Last evaluated: 2024-11-14. Review status: criteria provided, single submitter. Criteria: ACMG Guidelines, 2015. Collection method: clinical testing. Allele origin: germline.

Fulgent Genetics
Classification: Likely benign for Diamond-Blackfan anemia 3. Last evaluated: 2021-09-14. Review status: criteria provided, single submitter. Criteria: ACMG Guidelines, 2015. Collection method: clinical testing. Allele origin: unknown.

Genetic Services Laboratory, University of Chicago
Classification: Likely benign. Last evaluated: 2018-06-18. Review status: criteria provided, single submitter. Criteria: ACMG Guidelines, 2015. Collection method: clinical testing. Allele origin: germline. Affected: no.

Illumina Laboratory Services, Illumina
Classification: Benign for Diamond-Blackfan anemia 3. Last evaluated: 2018-01-13. Review status: criteria provided, single submitter. Criteria: ICSL Variant Classification Criteria 13 December 2019. Collection method: clinical testing. Allele origin: germline.
Comment: This variant was observed in the ICSL laboratory as part of a predisposition screen in an ostensibly healthy population. It had not been previously curated by ICSL or reported in the Human Gene Mutation Database (HGMD: prior to June 1st, 2018), and was therefore a candidate for classification through an automated scoring system. Utilizing variant allele frequency, disease prevalence and penetrance estimates, and inheritance mode, an automated score was calculated to assess if this variant is too frequent to cause the disease. Based on the score and internal cut-off values, a variant classified as benign is not then subjected to further curation. The score for this variant resulted in a classification of benign for this disease.

Ambry Genetics
Classification: Likely benign for Diamond-Blackfan anemia. Last evaluated: 2016-10-13. Review status: criteria provided, single submitter. Criteria: Ambry Variant Classification Scheme 2023. Collection method: clinical testing. Allele origin: germline.

PreventionGenetics, part of Exact Sciences
Classification: Benign for RPS24-related condition. Last evaluated: 2019-06-18. Review status: no assertion criteria provided. Collection method: clinical testing. Allele origin: germline. Not counted in ClinVar's aggregate classification.
Comment: This variant is classified as benign based on ACMG/AMP sequence variant interpretation guidelines (Richards et al. 2015 PMID: 25741868, with internal and published modifications).

NM_033022.4(RPS24):c.235C>T (p.Leu79=)

Gene: RPS24 (ribosomal protein S24; plus strand). Cytogenetic location: 10q22.3.
Variant type: single nucleotide variant.
Coding change: c.235C>T on transcript NM_033022.4 (MANE Select); coding-DNA position 235, C replaced by T.
Protein change: p.Leu79=; no amino-acid change (leucine 79 retained).
Molecular consequence: synonymous variant.
Genome position (GRCh38, 1-based): chr10:78,035,676, C>T. VCF-style: chr10-78035676-C-T. GRCh37 (hg19) VCF-style: chr10-79795434-C-T.
Other names: c.235C>T, p.Leu79= (NM_001026.5, NM_001142282.2, NM_001142283.2 and 2 more transcripts); c.235C>T (NM_001142285.1).
Identifiers: ClinVar variation 301094 (VCV000301094.25), dbSNP rs192994060, ClinGen allele CA5571962.
Genomic context (GRCh38, chr10:78,035,676, plus strand): 5'-GGATTCAGAACTCATTTTGGTGGTGGCAAGACAACTGGCTTTGGCATGATTTATGATTCC[C>T]TGGATTATGCAAAGAAAAATGAACCCAAACATAGACTTGCAAGAGTAGGTGTCTTTTCAT-3'
Protein context (NP_148982.1, residues 69-89): TTGFGMIYDS[Leu79=]DYAKKNEPKH